The following is an entry in ClinVar:

ClinVar aggregate classification (germline): Uncertain significance. Review status: criteria provided, multiple submitters, no conflicts (2 of 4 stars). 2 submissions from 2 submitters: Uncertain significance (2). Last evaluated 2025-01-20.

Conditions:
Facioscapulohumeral muscular dystrophy 2 (FSHD2). Also called: MUSCULAR DYSTROPHY, FACIOSCAPULOHUMERAL, TYPE 1B; FACIOSCAPULOHUMERAL MUSCULAR DYSTROPHY 2, DIGENIC; FSHD2, DIGENIC. Identifiers: Orphanet 269, MedGen C1834671, MONDO:0008031, OMIM 158901.

Allele frequency attached by ClinVar (database versions not stated): gnomAD exomes below 0.00001; gnomAD 0.00001; ExAC 0.00003.
gnomAD v4.1: 5 of 1,578,842 alleles (0.00032%); highest among the groups gnomAD compares: Admixed American, 0.0078%; no homozygotes.

Submissions (2):

GeneDx
Classification: Uncertain significance. Last evaluated: 2025-01-20. Review status: criteria provided, single submitter. Criteria: GeneDx Variant Classification Process June 2021. Collection method: clinical testing. Allele origin: germline. Affected: yes.
Comment: In silico analysis supports that this missense variant has a deleterious effect on protein structure/function; Has not been previously published as pathogenic or benign to our knowledge

Labcorp Genetics (formerly Invitae), Labcorp
Classification: Uncertain significance for Facioscapulohumeral muscular dystrophy 2. Last evaluated: 2023-06-07. Review status: criteria provided, single submitter. Criteria: Invitae Variant Classification Sherloc (09022015). Collection method: clinical testing. Allele origin: germline.
Comment: This variant has not been reported in the literature in individuals affected with SMCHD1-related conditions. In summary, the available evidence is currently insufficient to determine the role of this variant in disease. Therefore, it has been classified as a Variant of Uncertain Significance. Advanced modeling of protein sequence and biophysical properties (such as structural, functional, and spatial information, amino acid conservation, physicochemical variation, residue mobility, and thermodynamic stability) performed at Invitae indicates that this missense variant is not expected to disrupt SMCHD1 protein function. This variant is present in population databases (rs778325950, gnomAD 0.01%). This sequence change replaces isoleucine, which is neutral and non-polar, with asparagine, which is neutral and polar, at codon 1402 of the SMCHD1 protein (p.Ile1402Asn).

NM_015295.3(SMCHD1):c.4205T>A (p.Ile1402Asn)

Gene: SMCHD1 (structural maintenance of chromosomes flexible hinge domain containing 1; plus strand). Cytogenetic location: 18p11.32.
Variant type: single nucleotide variant.
Coding change: c.4205T>A on transcript NM_015295.3 (MANE Select); coding-DNA position 4205, T replaced by A.
Protein change: p.Ile1402Asn; replaces isoleucine 1402 with asparagine.
Molecular consequence: missense variant.
Genome position (GRCh38, 1-based): chr18:2,751,317, T>A. VCF-style: chr18-2751317-T-A. GRCh37 (hg19) VCF-style: chr18-2751315-T-A.
Other names: c.4205T>A (NM_015295.2); short protein forms I1402N.
Identifiers: ClinVar variation 2913466 (VCV002913466.4), dbSNP rs778325950, ClinGen allele CA8871413.